The following is an entry in ClinVar:

NM_004260.4(RECQL4):c.1000G>C (p.Glu334Gln)

Gene: RECQL4 (RecQ like helicase 4; minus strand). Cytogenetic location: 8q24.3.
Variant type: single nucleotide variant.
Coding change: c.1000G>C on transcript NM_004260.4 (MANE Select); coding-DNA position 1000, G replaced by C.
Protein change: p.Glu334Gln; replaces glutamic acid 334 with glutamine.
Molecular consequence: missense variant. On other transcripts: 5 prime UTR variant (16), non-coding transcript variant (3), intron variant (3).
Genome position (GRCh38, 1-based): chr8:144,516,119, C>G on the plus strand (G>C on the coding strand, the complement: RECQL4 is on the minus strand). VCF-style: chr8-144516119-C-G. GRCh37 (hg19) VCF-style: chr8-145741503-C-G.
Other names: c.1000G>C, p.Glu334Gln (NM_001413018.1, NM_001413019.1, NM_001413033.1 and 2 more transcripts); c.-72G>C (NM_001413021.1, NM_001413022.1, NM_001413023.1 and 7 more transcripts); c.871G>C, p.Glu291Gln (NM_001413025.1); c.-134G>C (NM_001413027.1, NM_001413030.1, NM_001413031.1 and 2 more transcripts); c.649G>C, p.Glu217Gln (NM_001413029.1); c.-341G>C (NM_001413043.1); c.953+47G>C (NM_001413017.1, NM_001413020.1); c.-23+47G>C (NM_001413034.1); short protein forms E217Q, E291Q, E334Q.
Identifiers: ClinVar variation 2755846 (VCV002755846.3), dbSNP rs1814909763, ClinGen allele CA372688370.

ClinVar aggregate classification (germline): Uncertain significance (1 of 4 stars; one submission).

Conditions:
Baller-Gerold syndrome (BGS). Also called: CRANIOSYNOSTOSIS WITH RADIAL DEFECTS. Identifiers: Orphanet 1225, MedGen C0265308, MONDO:0009039, OMIM 218600.

Allele frequency attached by ClinVar (database versions not stated): TOPMed below 0.00001.

Submission:

Labcorp Genetics (formerly Invitae), Labcorp
Classification: Uncertain significance for Baller-Gerold syndrome. Last evaluated: 2023-08-28. Review status: criteria provided, single submitter. Criteria: Invitae Variant Classification Sherloc (09022015). Collection method: clinical testing. Allele origin: germline.
Comment: This sequence change replaces glutamic acid, which is acidic and polar, with glutamine, which is neutral and polar, at codon 334 of the RECQL4 protein (p.Glu334Gln). This variant is not present in population databases (gnomAD no frequency). This variant has not been reported in the literature in individuals affected with RECQL4-related conditions. Advanced modeling of protein sequence and biophysical properties (such as structural, functional, and spatial information, amino acid conservation, physicochemical variation, residue mobility, and thermodynamic stability) performed at Invitae indicates that this missense variant is not expected to disrupt RECQL4 protein function. In summary, the available evidence is currently insufficient to determine the role of this variant in disease. Therefore, it has been classified as a Variant of Uncertain Significance.